The following is an entry in ClinVar:

ClinVar aggregate classification (germline): Pathogenic. Review status: criteria provided, multiple submitters, no conflicts (2 of 4 stars). 9 submissions from 9 submitters: Pathogenic (7). 2 of the submissions do not count toward it. Last evaluated 2025-12-08.

Conditions:
SCN1A-related disorder. Also called: SCN1A-related conditions; SCN1A-related condition; SCN1A-related disorders.
Autosomal dominant epilepsy.
Early-infantile DEE. Also called: Early infantile epileptic encephalopathy with suppression bursts; Ohtahara syndrome; Early infantile epileptic encephalopathy. Identifiers: Orphanet 1934, MedGen C0393706, MONDO:0800491.
Generalized epilepsy with febrile seizures plus, type 2 (GEFSP2). Also called: GEFS+, TYPE 2. Identifiers: Orphanet 36387, MedGen C1858673, MONDO:0011461, OMIM 604403.
Seizure. Also called: Seizures. Identifiers: MedGen C0036572, HP:0001250.

Allele frequency attached by ClinVar (database versions not stated): gnomAD exomes 0.00001.
gnomAD v4.1: 1 of 1,600,468 alleles (0.000062%); no homozygotes.

Submissions (10):

Labcorp Genetics (formerly Invitae), Labcorp
Classification: Pathogenic for Early-infantile DEE. Last evaluated: 2025-12-08. Review status: criteria provided, single submitter. Criteria: Invitae Variant Classification Sherloc (09022015). Collection method: clinical testing. Allele origin: germline.
Comment: This sequence change replaces arginine, which is basic and polar, with histidine, which is basic and polar, at codon 859 of the SCN1A protein (p.Arg859His). The frequency data for this variant in the population databases is considered unreliable, as metrics indicate poor data quality at this position in the gnomAD database. This missense change has been observed in individual(s) with generalized epilepsy with febrile seizures plus (PMID: 21864321, 28084635; internal data). It has also been observed to segregate with disease in related individuals. ClinVar contains an entry for this variant (Variation ID: 93639). Invitae Evidence Modeling of protein sequence and biophysical properties (such as structural, functional, and spatial information, amino acid conservation, physicochemical variation, residue mobility, and thermodynamic stability) indicates that this missense variant is expected to disrupt SCN1A protein function with a positive predictive value of 95%. Experimental studies have shown that this missense change affects SCN1A function (PMID: 21864321, 24277604). This variant disrupts the p.Arg859 amino acid residue in SCN1A. Other variant(s) that disrupt this residue have been determined to be pathogenic (PMID: 16525050, 18930999, 25576396). This suggests that this residue is clinically significant, and that variants that disrupt this residue are likely to be disease-causing. For these reasons, this variant has been classified as Pathogenic.

Department of Neurology, Zibo Changguo Hospital
Classification: Pathogenic for Generalized epilepsy with febrile seizures plus, type 2. Last evaluated: 2025-01-09. Review status: criteria provided, single submitter. Criteria: ACMG Guidelines, 2015. Collection method: clinical testing. Allele origin: de novo. Inheritance: Autosomal dominant inheritance. Affected: yes.
Comment: PS2_Very Strong, PS3, PM2_Supporting

Blueprint Genetics
Classification: Pathogenic for SCN1A-related disorders. Last evaluated: 2023-11-14. Review status: criteria provided, single submitter. Criteria: ACMG Guidelines, 2015. Collection method: clinical testing. Allele origin: germline. Affected: yes. Observed: 3 variant alleles.

Mendelics
Classification: Pathogenic for Generalized epilepsy with febrile seizures plus, type 2. Last evaluated: 2022-05-04. Review status: criteria provided, single submitter. Criteria: Mendelics Assertion Criteria 2019. Collection method: clinical testing. Allele origin: germline.

GeneDx
Classification: Pathogenic. Last evaluated: 2022-04-07. Review status: criteria provided, single submitter. Criteria: GeneDx Variant Classification Process June 2021. Collection method: clinical testing. Allele origin: germline. Affected: yes.
Comment: Published functional studies suggest that p.R859H results in channel gating defects (Volkers et al., 2011; Volkers et al., 2013); Reported previously in an individual with generalized epilepsy with febrile seizures plus and was inherited from the patient's father who had a history of febrile seizures (Volkers et al., 2011); In silico analysis supports that this missense variant has a deleterious effect on protein structure/function; Missense variants in this gene are often considered pathogenic (HGMD); This variant is associated with the following publications: (PMID: 31782251, 29335582, 32581296, 28084635, 21864321, 33278787, 24277604, 28150151, 30446648, 33013363)

Women's Health and Genetics/Laboratory Corporation of America, LabCorp
Classification: Pathogenic for Autosomal dominant epilepsy. Last evaluated: 2020-12-23. Review status: criteria provided, single submitter. Criteria: LabCorp Variant Classification Summary - May 2015. Collection method: clinical testing. Allele origin: germline.
Comment: Variant summary: SCN1A c.2576G>A (p.Arg859His) results in a non-conservative amino acid change located in the Ion transport domain (voltage sensing S4 segment of domain II) of the encoded protein sequence. Five of five in-silico tools predict a damaging effect of the variant on protein function. Another missense variant affecting the same codon, namely c.2575C>T (p.Arg859Cys) has been reported with the more severe phenotype of Dravet syndrome with loss of function effects suggesting a functional relevance of this residue to protein function (Brunklaus_2020). The variant allele was found at a frequency of 8e-06 in 250370 control chromosomes. c.2576G>A has been reported in the literature in at least 3 patients with Generalized Epilepsy with Febrile Seizures Plus (GEFS+). One report showing segregation within a family, though the affected father was not genotyped (Volkers_2011) and another reporting the variant as a de novo occurrence (Myers_2017). It has also been subsequently cited by others (example, Brunklaus_2020). Additionally, a clinical lab has submitted data to Clinvar stating that the variant segregated with seizures in a single family. These data indicate that the variant is likely to be associated with disease. At least one publication reports experimental evidence evaluating an impact on protein function. The most pronounced variant effect leads to mixed functional defects in Nav1.1 gating although the mutant protein is produced at normal levels (Volkers_2011; Volkers_2013). Two clinical diagnostic laboratories have submitted clinical-significance assessments for this variant to ClinVar after 2014 without evidence for independent evaluation. All laboratories classified the variant as pathogenic. Based on the evidence outlined above, the variant was classified as pathogenic.

Eurofins Ntd Llc (ga)
Classification: Pathogenic. Last evaluated: 2013-07-01. Review status: criteria provided, single submitter. Criteria: EGL Classification Definitions 2015. Collection method: clinical testing. Allele origin: germline. Observed: 1 variant allele, 1 heterozygote.

PreventionGenetics, part of Exact Sciences
Classification: Pathogenic for SCN1A-related condition. Last evaluated: 2024-06-06. Review status: no assertion criteria provided. Collection method: clinical testing. Allele origin: germline. Not counted in ClinVar's aggregate classification.
Comment: The SCN1A c.2576G>A variant is predicted to result in the amino acid substitution p.Arg859His. This variant has been reported in multiple individuals with generalized epilepsy with febrile seizures plus (GEFS+) and has been repeatedly documented as having arisen de novo (Volkers et al. 2011. PubMed ID: 21864321; Myers et al. 2017. PubMed ID: 28084635; Wang et al. 2021. PubMed ID: 33278787; Zou et al. 2021. PubMed ID: 34145886; Chen et al. 2022. PubMed ID: 35571373; Çapan et al. 2023. PubMed ID: 37353388). In vitro functional studies have shown that this variant negatively impacts sodium channel function (Volkers et al. 2011. PubMed ID: 21864321; Volkers et al. 2013. PubMed ID: 24277604). This variant is reported in 0.010% of alleles in individuals of Ashkenazi Jewish descent in gnomAD. A different missense variant at the same position (p.Arg859Cys) has also been reported as pathogenic in patients with SCN1A-related disease (Barela et al. 2006. PubMed ID: 16525050; Depienne et al. 2009. PubMed ID: 18930999; Bechi et al. 2015. PubMed ID: 25576396). Taken together, the p.Arg859His variant is interpreted as pathogenic.

Channelopathy-Associated Epilepsy Research Center
No classification provided (evidence only). Condition: Severe myoclonic epilepsy in infancy. Review status: no classification provided. Collection method: literature only. Allele origin: not applicable. Functional consequence: Normal peak current, Mild hyperpolarizing shift of voltage dependence of activation, Normal slope of activation, Mild hyperpolarizing shift of voltage dependence of fast inactivation, Normal slope of fast inactivation, Slowing of recovery from fast inactivation, Slowing of activation, Slowing of fast inactivation, Moderate increase in persistent current, Overall mixed or unclear functional effect with respect to biophysical channel activity. Not counted in ClinVar's aggregate classification.
ClinVar note: "not provided" was previously submitted as the classification for the variant. However, the classification appeared to be based only on an observation of functional data so it was converted to no classification on 2025-07-30.

Diagnostic Laboratory, Strasbourg University Hospital
Classification: Uncertain significance for Seizure. Review status: no assertion criteria provided. Collection method: clinical testing. Allele origin: maternal. Affected: yes. Observed: 1 heterozygote. Not counted in ClinVar's aggregate classification.

Literature cited by the submitters: PubMed 21864321 (cited by 4 submitters); PubMed 28084635 (cited by Labcorp Genetics (formerly Invitae), Labcorp and Women's Health and Genetics/Laboratory Corporation of America, LabCorp); PubMed 24277604 (cited by Labcorp Genetics (formerly Invitae), Labcorp and Women's Health and Genetics/Laboratory Corporation of America, LabCorp); PubMed 16525050 (cited by Labcorp Genetics (formerly Invitae), Labcorp); PubMed 18930999 (cited by Labcorp Genetics (formerly Invitae), Labcorp); PubMed 25576396 (cited by Labcorp Genetics (formerly Invitae), Labcorp); PubMed 28150151 (cited by Women's Health and Genetics/Laboratory Corporation of America, LabCorp); PubMed 31782251 (cited by Women's Health and Genetics/Laboratory Corporation of America, LabCorp).

NM_001165963.4(SCN1A):c.2576G>A (p.Arg859His)

Gene: SCN1A (sodium voltage-gated channel alpha subunit 1; minus strand). Cytogenetic location: 2q24.3.
Variant type: single nucleotide variant.
Coding change: c.2576G>A on transcript NM_001165963.4 (MANE Select); coding-DNA position 2576, G replaced by A.
Protein change: p.Arg859His; replaces arginine 859 with histidine.
Molecular consequence: missense variant. On other transcripts: non-coding transcript variant (1).
Genome position (GRCh38, 1-based): chr2:166,039,436, C>T on the plus strand (G>A on the coding strand, the complement: SCN1A is on the minus strand). VCF-style: chr2-166039436-C-T. GRCh37 (hg19) VCF-style: chr2-166895946-C-T.
Other names: c.2492G>A, p.Arg831His (NM_001165964.3, NM_001353957.2, NM_001353958.2); c.2576G>A, p.Arg859His (NM_001202435.3, NM_001353948.2); c.2543G>A, p.Arg848His (NM_001353949.2, NM_001353950.2, NM_001353951.2 and 2 more transcripts); c.2540G>A, p.Arg847His (NM_001353954.2, NM_001353955.2); c.2489G>A, p.Arg830His (NM_001353960.2); c.134G>A, p.Arg45His (NM_001353961.2); c.2576G>A (NM_001202435.1); short protein forms R848H, R859H, R45H, R830H, R831H, R847H.
Identifiers: ClinVar variation 93639 (VCV000093639.26), dbSNP rs398123588, ClinGen allele CA266833.